The following is an entry in ClinVar:

ClinVar aggregate classification (germline): Uncertain significance (1 of 4 stars; one submission).

Submission:

Women's Health and Genetics/Laboratory Corporation of America, LabCorp
Classification: Uncertain significance. Last evaluated: 2024-09-30. Review status: criteria provided, single submitter. Criteria: LabCorp Variant Classification Summary - May 2015. Collection method: clinical testing. Allele origin: germline.
Comment: Variant summary: LMNB1 c.1624A>G (p.Arg542Gly) results in a non-conservative amino acid change located in the Lamin tail domain (IPR001322) of the encoded protein sequence. Five of five in-silico tools predict a damaging effect of the variant on protein function. The variant was absent in 251214 control chromosomes. The available data on variant occurrences in the general population are insufficient to allow any conclusion about variant significance. To our knowledge, no occurrence of c.1624A>G in individuals affected with LMNB1-Related Disorders and no experimental evidence demonstrating its impact on protein function have been reported. No submitters have cited clinical-significance assessments for this variant to ClinVar. Based on the evidence outlined above, the variant was classified as uncertain significance.

NM_005573.4(LMNB1):c.1624A>G (p.Arg542Gly)

Gene: LMNB1 (lamin B1; plus strand). Cytogenetic location: 5q23.2.
Variant type: single nucleotide variant.
Coding change: c.1624A>G on transcript NM_005573.4 (MANE Select); coding-DNA position 1624, A replaced by G.
Protein change: p.Arg542Gly; replaces arginine 542 with glycine.
Molecular consequence: missense variant. On other transcripts: non-coding transcript variant (2).
Genome position (GRCh38, 1-based): chr5:126,832,706, A>G. VCF-style: chr5-126832706-A-G. GRCh37 (hg19) VCF-style: chr5-126168398-A-G.
Other names: c.994A>G, p.Arg332Gly (NM_001198557.2); short protein forms R332G, R542G.
Identifiers: ClinVar variation 3374934 (VCV003374934.1).
Genomic context (GRCh38, chr5:126,832,706, plus strand): 5'-TTGGTGATTTTAAGTGTGTTTTTTAACTTAAACTACTATTGTTTTTAGGAGGTTGCTCAA[A>G]GAAGTACAGTCTTTAAAACAACCATACCTGAAGAAGAGGAGGAGGAGGAAGAAGCAGCTG-3'
Protein context (NP_005564.1, residues 532-552): KNSQGEEVAQ[Arg542Gly]STVFKTTIPE